The following is an entry in ClinVar:

ClinVar aggregate classification (germline): Uncertain significance. Review status: criteria provided, multiple submitters, no conflicts (2 of 4 stars). 2 submissions from 2 submitters: Uncertain significance (2). Last evaluated 2025-08-01.

Conditions:
Inborn genetic diseases. Identifiers: MedGen C0950123, MeSH D030342.

Allele frequency attached by ClinVar (database versions not stated): gnomAD 0.00001 and 0.00003; gnomAD exomes 0.00001; TOPMed 0.00001.
gnomAD v4.1: 19 of 1,610,552 alleles (0.0012%); highest among the groups gnomAD compares: East Asian, 0.022%; no homozygotes.

Submissions (2):

Ambry Genetics
Classification: Uncertain significance for Inborn genetic diseases. Last evaluated: 2025-08-01. Review status: criteria provided, single submitter. Criteria: Ambry Variant Classification Scheme 2023. Collection method: clinical testing. Allele origin: germline.

Labcorp Genetics (formerly Invitae), Labcorp
Classification: Uncertain significance. Last evaluated: 2021-04-16. Review status: criteria provided, single submitter. Criteria: Invitae Variant Classification Sherloc (09022015). Collection method: clinical testing. Allele origin: germline.
Comment: In summary, the available evidence is currently insufficient to determine the role of this variant in disease. Therefore, it has been classified as a Variant of Uncertain Significance. Algorithms developed to predict the effect of sequence changes on RNA splicing suggest that this variant may create or strengthen a splice site, but this prediction has not been confirmed by published transcriptional studies. Algorithms developed to predict the effect of missense changes on protein structure and function are either unavailable or do not agree on the potential impact of this missense change (SIFT: "Tolerated"; PolyPhen-2: "Probably Damaging"; Align-GVGD: "Class C0"). This variant has not been reported in the literature in individuals with CABP4-related conditions. This variant is not present in population databases (ExAC no frequency). This sequence change replaces arginine with glutamine at codon 159 of the CABP4 protein (p.Arg159Gln). The arginine residue is highly conserved and there is a small physicochemical difference between arginine and glutamine.

NM_145200.5(CABP4):c.476G>A (p.Arg159Gln)

Gene: CABP4 (calcium binding protein 4; plus strand). Cytogenetic location: 11q13.2.
Variant type: single nucleotide variant.
Coding change: c.476G>A on transcript NM_145200.5 (MANE Select); coding-DNA position 476, G replaced by A.
Protein change: p.Arg159Gln; replaces arginine 159 with glutamine.
Molecular consequence: missense variant.
Genome position (GRCh38, 1-based): chr11:67,456,377, G>A. VCF-style: chr11-67456377-G-A. GRCh37 (hg19) VCF-style: chr11-67223848-G-A.
Other names: c.161G>A, p.Arg54Gln (NM_001300895.3, NM_001300896.3, NM_001379183.1); short protein forms R159Q, R54Q.
Identifiers: ClinVar variation 960707 (VCV000960707.10), dbSNP rs1031406409, ClinGen allele CA224143691.